The following is an entry in ClinVar:

ClinVar aggregate classification (germline): Uncertain significance (1 of 4 stars; one submission).

Conditions:
Hereditary cancer-predisposing syndrome. Also called: Tumor predisposition; Neoplastic Syndromes, Hereditary; Hereditary Cancer Syndrome; Hereditary neoplastic syndrome. Identifiers: Orphanet 140162, MedGen C0027672, MeSH D009386, MONDO:0015356.

Submission:

Ambry Genetics
Classification: Uncertain significance for Hereditary cancer-predisposing syndrome. Last evaluated: 2025-02-02. Review status: criteria provided, single submitter. Criteria: Ambry Variant Classification Scheme 2023. Collection method: clinical testing. Allele origin: germline.
Comment: The p.Y486H variant (also known as c.1456T>C), located in coding exon 11 of the APC gene, results from a T to C substitution at nucleotide position 1456. The tyrosine at codon 486 is replaced by histidine, an amino acid with similar properties. This amino acid position is conserved. In addition, in silico predictors for this gene do not accurately predict pathogenicity. Based on the available evidence, the clinical significance of this variant remains unclear.

NM_000038.6(APC):c.1456T>C (p.Tyr486His)

Gene: APC (APC regulator of Wnt signaling pathway; plus strand). Cytogenetic location: 5q22.2.
Variant type: single nucleotide variant.
Coding change: c.1456T>C on transcript NM_000038.6 (MANE Select); coding-DNA position 1456, T replaced by C.
Protein change: p.Tyr486His; replaces tyrosine 486 with histidine.
Molecular consequence: missense variant.
Genome position (GRCh38, 1-based): chr5:112,827,155, T>C. VCF-style: chr5-112827155-T-C. GRCh37 (hg19) VCF-style: chr5-112162852-T-C.
Other names: c.1456T>C, p.Tyr486His (NM_001127510.3, NM_001354895.2, NM_001407450.1); c.1402T>C, p.Tyr468His (NM_001127511.3); c.1510T>C, p.Tyr504His (NM_001354896.2, NM_001407447.1, NM_001407448.1 and 1 more transcripts); c.1486T>C, p.Tyr496His (NM_001354897.2); c.1381T>C, p.Tyr461His (NM_001354898.2); c.1372T>C, p.Tyr458His (NM_001354899.2); c.1333T>C, p.Tyr445His (NM_001354900.2); c.1279T>C, p.Tyr427His (NM_001354901.2, NM_001407453.1); and 11 more; short protein forms Y203H, Y360H, Y395H, Y403H, Y468H, Y445H, Y461H, Y476H.
Identifiers: ClinVar variation 3882210 (VCV003882210.1).